The following is an entry in ClinVar:

ClinVar aggregate classification (germline): Uncertain significance. Review status: criteria provided, multiple submitters, no conflicts (2 of 4 stars). 3 submissions from 3 submitters: Uncertain significance (3). Last evaluated 2026-01-05.

Allele frequency attached by ClinVar (database versions not stated): TOPMed 0.00002; gnomAD exomes 0.00005; ExAC 0.00006; gnomAD 0.00006.
gnomAD v4.1: 140 of 1,584,406 alleles (0.0088%); highest among the groups gnomAD compares: Non-Finnish European, 0.012%; no homozygotes.

Submissions (3):

Labcorp Genetics (formerly Invitae), Labcorp
Classification: Uncertain significance. Last evaluated: 2026-01-05. Review status: criteria provided, single submitter. Criteria: Invitae Variant Classification Sherloc (09022015). Collection method: clinical testing. Allele origin: germline.
Comment: This sequence change creates a premature translational stop signal (p.Trp1061*) in the RIMS1 gene. It is expected to result in an absent or disrupted protein product. However, the current clinical and genetic evidence is not sufficient to establish whether loss-of-function variants in RIMS1 cause disease. This variant is present in population databases (rs749393051, gnomAD 0.009%). This premature translational stop signal has been observed in individuals with inherited retinal disease (PMID: 31980526; internal data). ClinVar contains an entry for this variant (Variation ID: 424611). Algorithms developed to predict the effect of sequence changes on RNA splicing suggest that this variant may disrupt the consensus splice site. In summary, the available evidence is currently insufficient to determine the role of this variant in disease. Therefore, it has been classified as a Variant of Uncertain Significance.

Blueprint Genetics
Classification: Uncertain significance. Last evaluated: 2023-07-13. Review status: criteria provided, single submitter. Criteria: ACMG Guidelines, 2015. Collection method: clinical testing. Allele origin: germline.

GeneDx
Classification: Uncertain significance. Last evaluated: 2017-04-03. Review status: criteria provided, single submitter. Criteria: GeneDx Variant Classification (06012015). Collection method: clinical testing. Allele origin: germline. Affected: yes.
Comment: The W1061X variant in the RIMS1 gene has not been reported previously as a pathogenic variant nor as a benign variant, to our knowledge. This variant is predicted to cause loss of normal protein function either through protein truncation or nonsense-mediated mRNA decay. The W1061X variant is not observed in large population cohorts (Lek et al., 2016; 1000 Genomes Consortium et al., 2015; Exome Variant Server). We interpret W1061X as a variant of uncertain significance

Literature cited by the submitters: PubMed 31980526 (cited by Labcorp Genetics (formerly Invitae), Labcorp).

NM_014989.7(RIMS1):c.3182G>A (p.Trp1061Ter)

Gene: RIMS1 (regulating synaptic membrane exocytosis 1; plus strand). Cytogenetic location: 6q13.
Variant type: single nucleotide variant.
Coding change: c.3182G>A on transcript NM_014989.7 (MANE Select); coding-DNA position 3182, G replaced by A.
Protein change: p.Trp1061Ter; replaces tryptophan 1061 with a stop codon.
Molecular consequence: nonsense. On other transcripts: intron variant (58).
Genome position (GRCh38, 1-based): chr6:72,265,040, G>A. VCF-style: chr6-72265040-G-A. GRCh37 (hg19) VCF-style: chr6-72974743-G-A.
Other names: c.1601G>A, p.Trp534Ter (NM_001350418.2, NM_001350434.2, NM_001350436.2); c.1604G>A, p.Trp535Ter (NM_001350458.2); c.1559G>A, p.Trp520Ter (NM_001350470.2); c.1470-920G>A (NM_001350428.2, NM_001350459.2, NM_001350424.2 and 1 more transcripts); c.1467-920G>A (NM_001350437.2, NM_001350430.2, NM_001350421.2 and 1 more transcripts); c.1539-920G>A (NM_001350433.2, NM_001350446.2, NM_001350442.2 and 8 more transcripts); c.1538+4273G>A (NM_001350431.2); c.1476-920G>A (NM_001350457.2); and 13 more; short protein forms W1061*, W535*, W520*, W534*.
Identifiers: ClinVar variation 424611 (VCV000424611.11), dbSNP rs749393051, ClinGen allele CA3886158.